The following is an entry in ClinVar:

NM_002485.5(NBN):c.1301C>T (p.Thr434Ile)

Gene: NBN (nibrin; minus strand). Cytogenetic location: 8q21.3.
Variant type: single nucleotide variant.
Coding change: c.1301C>T on transcript NM_002485.5 (MANE Select); coding-DNA position 1301, C replaced by T.
Protein change: p.Thr434Ile; replaces threonine 434 with isoleucine.
Molecular consequence: missense variant.
Genome position (GRCh38, 1-based): chr8:89,955,379, G>A on the plus strand (C>T on the coding strand, the complement: NBN is on the minus strand). VCF-style: chr8-89955379-G-A. GRCh37 (hg19) VCF-style: chr8-90967607-G-A.
Other names: c.1055C>T, p.Thr352Ile (NM_001024688.3); short protein forms T434I, T352I.
Identifiers: ClinVar variation 185019 (VCV000185019.24), dbSNP rs757452107, ClinGen allele CA190795.

ClinVar aggregate classification (germline): Uncertain significance. Review status: criteria provided, multiple submitters, no conflicts (2 of 4 stars). 8 submissions from 8 submitters: Uncertain significance (7). 1 of the submissions does not count toward it. Last evaluated 2025-01-13.

Conditions:
Hereditary cancer-predisposing syndrome. Also called: Tumor predisposition; Hereditary Cancer Syndrome; Hereditary neoplastic syndrome; Neoplastic Syndromes, Hereditary. Identifiers: Orphanet 140162, MedGen C0027672, MeSH D009386, MONDO:0015356.
Aplastic anemia. Identifiers: Orphanet 182040, Orphanet 88, MedGen C0002874, MONDO:0015909, OMIM 609135, HP:0001915.
Microcephaly, normal intelligence and immunodeficiency (NBS). Also called: IMMUNODEFICIENCY, MICROCEPHALY, AND CHROMOSOMAL INSTABILITY; SEEMANOVA SYNDROME II; Nijmegen breakage syndrome; Microcephaly with normal intelligence immunodeficiency and lymphoreticular malignancies; Nonsyndromal microcephaly autosomal recessive with normal intelligence; Seemanova syndrome 2. Identifiers: Orphanet 647, MedGen C0398791, MONDO:0009623, OMIM 251260.

Allele frequency attached by ClinVar (database versions not stated): gnomAD below 0.00001 and 0.00001; TOPMed below 0.00001; ExAC 0.00001; gnomAD exomes 0.00001.
gnomAD v4.1: 13 of 1,613,606 alleles (0.00081%); highest among the groups gnomAD compares: Middle Eastern, 0.016%; no homozygotes.

Submissions (8):

Labcorp Genetics (formerly Invitae), Labcorp
Classification: Uncertain significance for Microcephaly, normal intelligence and immunodeficiency. Last evaluated: 2025-01-13. Review status: criteria provided, single submitter. Criteria: Invitae Variant Classification Sherloc (09022015). Collection method: clinical testing. Allele origin: germline.
Comment: This sequence change replaces threonine, which is neutral and polar, with isoleucine, which is neutral and non-polar, at codon 434 of the NBN protein (p.Thr434Ile). This variant is present in population databases (rs757452107, gnomAD 0.006%). This variant has not been reported in the literature in individuals affected with NBN-related conditions. ClinVar contains an entry for this variant (Variation ID: 185019). An algorithm developed to predict the effect of missense changes on protein structure and function (PolyPhen-2) suggests that this variant¬†is likely to be tolerated. In summary, the available evidence is currently insufficient to determine the role of this variant in disease. Therefore, it has been classified as a Variant of Uncertain Significance.

Ambry Genetics
Classification: Uncertain significance for Hereditary cancer-predisposing syndrome. Last evaluated: 2024-05-04. Review status: criteria provided, single submitter. Criteria: Ambry Variant Classification Scheme 2023. Collection method: clinical testing. Allele origin: germline.
Comment: The p.T434I variant (also known as c.1301C>T), located in coding exon 10 of the NBN gene, results from a C to T substitution at nucleotide position 1301. The threonine at codon 434 is replaced by isoleucine, an amino acid with some similar properties. This amino acid position is not well conserved in available vertebrate species. In addition, this alteration is predicted to be tolerated by in silico analysis. Since supporting evidence is limited at this time, the clinical significance of this alteration remains unclear.

GeneDx
Classification: Uncertain significance. Last evaluated: 2024-03-21. Review status: criteria provided, single submitter. Criteria: GeneDx Variant Classification Process June 2021. Collection method: clinical testing. Allele origin: germline. Affected: yes.
Comment: Observed in an individual with breast cancer (PMID: 36200007); Not observed at significant frequency in large population cohorts (gnomAD); In silico analysis supports that this missense variant does not alter protein structure/function; This variant is associated with the following publications: (PMID: 33471991, 36346689, 36200007)

Baylor Genetics
Classification: Uncertain significance for Aplastic anemia. Last evaluated: 2024-01-11. Review status: criteria provided, single submitter. Criteria: ACMG Guidelines, 2015. Collection method: clinical testing. Allele origin: unknown.

Sema4
Classification: Uncertain significance for Hereditary cancer-predisposing syndrome. Last evaluated: 2022-02-15. Review status: criteria provided, single submitter. Criteria: Sema4 Curation Guidelines. Collection method: curation. Allele origin: germline.
Comment: The NBN c.1301C>T (p.T434I) variant has been reported in heterozygosity in at least one individual with breast cancer (PMID: 33471991). This variant was observed in 2/30604 chromosomes in the South Asian population according to the Genome Aggregation Database (PMID: 32461654). The variant has been reported in ClinVar (Variation ID: 185019). In silico tools suggest the impact of the variant on protein function is benign, though these predictions have not been confirmed by functional studies. The evidence is insufficient to meet ACMG/AMP criteria for classifying the variant as benign or pathogenic. Thus, the clinical significance of this variant is currently uncertain.

Genome-Nilou Lab
Classification: Uncertain significance for Microcephaly, normal intelligence and immunodeficiency. Last evaluated: 2021-11-07. Review status: criteria provided, single submitter. Criteria: ACMG Guidelines, 2015. Collection method: clinical testing. Allele origin: germline. Affected: no.

Quest Diagnostics Nichols Institute San Juan Capistrano
Classification: Uncertain significance. Last evaluated: 2021-04-14. Review status: criteria provided, single submitter. Criteria: Quest Diagnostics criteria. Collection method: clinical testing. Allele origin: unknown.

Natera, Inc.
Classification: Uncertain significance for Nijmegen breakage syndrome. Last evaluated: 2020-09-16. Review status: no assertion criteria provided. Collection method: clinical testing. Allele origin: germline. Not counted in ClinVar's aggregate classification.

Literature cited by the submitters: PubMed 33471991 (cited by Sema4).